The following is an entry in ClinVar:

ClinVar aggregate classification (germline): Likely pathogenic (1 of 4 stars; one submission).

Conditions:
Usher syndrome type 2C. Also called: Usher syndrome, type 2B; USHER SYNDROME, TYPE IIC. Identifiers: Orphanet 231178, Orphanet 886, MedGen C2931213, MONDO:0011558, OMIM 605472.

Submission:

Juno Genomics, Hangzhou Juno Genomics, Inc
Classification: Likely pathogenic for Usher syndrome type 2C. Review status: criteria provided, single submitter. Criteria: ACMG Guidelines, 2015. Collection method: clinical testing. Allele origin: germline. Affected: yes.
Comment: Null variant in a gene where loss of function (LOF) is a known mechanism of disease.;Absent from controls (or at extremely low frequency if recessive) in Genome Aggregation Database, Exome Sequencing Project, 1000 Genomes Project, or Exome Aggregation Consortium.

NM_032119.4(ADGRV1):c.8718del (p.Thr2907fs)

Gene: ADGRV1 (adhesion G protein-coupled receptor V1; plus strand). Cytogenetic location: 5q14.3.
Variant type: Deletion.
Coding change: c.8718del on transcript NM_032119.4 (MANE Select); coding-DNA position 8718, one base deleted (T; older notation c.8718delT).
Protein change: p.Thr2907fs; shifts the reading frame from threonine 2907.
Molecular consequence: frameshift variant. On other transcripts: non-coding transcript variant (1).
Genome position (GRCh38, 1-based): chr5:90,706,382, T deleted; the last of 2 consecutive T bases (chr5:90,706,381-90,706,382); deleting either gives the same sequence. VCF-style (leftmost placement, unchanged base first): chr5-90706380-AT-A. GRCh37 (hg19) VCF-style: chr5-90002197-AT-A.
Other names: short protein forms T2907fs.
Identifiers: ClinVar variation 3382600 (VCV003382600.2).